The following is an entry in ClinVar:

NM_014975.3(MAST1):c.692G>T (p.Cys231Phe)

Genes: MAST1 (microtubule associated serine/threonine kinase 1; plus strand), LOC117125587 (CRISPRi-FlowFISH-validated KLF1 and PRDX2 regulatory element; plus strand). Cytogenetic location: 19p13.13.
Variant type: single nucleotide variant.
Coding change: c.692G>T on transcript NM_014975.3 (MANE Select); coding-DNA position 692, G replaced by T.
Protein change: p.Cys231Phe; replaces cysteine 231 with phenylalanine.
Molecular consequence: missense variant.
Genome position (GRCh38, 1-based): chr19:12,847,975, G>T. VCF-style: chr19-12847975-G-T. GRCh37 (hg19) VCF-style: chr19-12958789-G-T.
Other names: short protein forms C231F.
Identifiers: ClinVar variation 4088259 (VCV004088259.1).

ClinVar aggregate classification (germline): Uncertain significance (1 of 4 stars; one submission).

Submission:

GeneDx
Classification: Uncertain significance. Last evaluated: 2025-03-27. Review status: criteria provided, single submitter. Criteria: GeneDx Variant Classification Process June 2021. Collection method: clinical testing. Allele origin: germline. Affected: yes.
Comment: Not observed at significant frequency in large population cohorts (gnomAD); In silico analysis supports that this missense variant has a deleterious effect on protein structure/function; Has not been previously published as pathogenic or benign to our knowledge